The following is an entry in ClinVar:

NM_000551.4(VHL):c.340+796G>A

Genes: VHL (von Hippel-Lindau tumor suppressor; plus strand), LOC107303340 (3p25 von Hippel-Lindau tumor suppressor, E3 ubiquitin protein ligase Alu-mediated recombination region; plus strand). Cytogenetic location: 3p25.3.
Variant type: single nucleotide variant.
Coding change: c.340+796G>A on transcript NM_000551.4 (MANE Select); 796 bases into the intron after coding-DNA position 340, G replaced by A.
Molecular consequence: intron variant. On other transcripts: synonymous variant (1), non-coding transcript variant (1).
Genome position (GRCh38, 1-based): chr3:10,142,983, G>A. VCF-style: chr3-10142983-G-A. GRCh37 (hg19) VCF-style: chr3-10184667-G-A.
Other names: c.561G>A, p.Lys187= (NM_001354723.2); c.340+796G>A (NM_198156.3).
Identifiers: ClinVar variation 2936820 (VCV002936820.3), dbSNP rs1335791622, ClinGen allele CA896160331.

ClinVar aggregate classification (germline): Uncertain significance (1 of 4 stars; one submission).

Conditions:
Chuvash polycythemia. Also called: POLYCYTHEMIA, VHL-DEPENDENT. Identifiers: Orphanet 238557, MedGen C1837915, MONDO:0009892, OMIM 263400.
Von Hippel-Lindau syndrome (VHLS). Also called: von Hippel–Lindau syndrome; VHL syndrome; Von Hippel-Lindau. Identifiers: Orphanet 892, MedGen C0019562, MONDO:0008667, OMIM 193300. Disease mechanism: loss of function.

Allele frequency attached by ClinVar (database versions not stated): TOPMed below 0.00001; gnomAD 0.00001.
gnomAD v4.1: 1 of 152,406 alleles (0.00066%); highest among the groups gnomAD compares: African/African-American, 0.0024%; no homozygotes.

Submission:

Labcorp Genetics (formerly Invitae), Labcorp
Classification: Uncertain significance for Von Hippel-Lindau syndrome; Chuvash polycythemia. Last evaluated: 2025-12-16. Review status: criteria provided, single submitter. Criteria: Invitae Variant Classification Sherloc (09022015). Collection method: clinical testing. Allele origin: germline.
Comment: This sequence change falls in intron 1 of the VHL gene. It is not expected to change the encoded amino acid sequence of the VHL protein. However, this sequence change falls within a cryptic exon in the VHL gene, known as exon E1’, which is naturally expressed at low levels in several human tissues (PMID: 29891534). This variant is not present in population databases (gnomAD no frequency). This variant has not been reported in the literature in individuals affected with VHL-related conditions. ClinVar contains an entry for this variant (Variation ID: 2936820). Algorithms developed to predict the effect of sequence changes on RNA splicing suggest that this variant is not likely to affect RNA splicing. In summary, the available evidence is currently insufficient to determine the role of this variant in disease. Therefore, it has been classified as a Variant of Uncertain Significance.

Literature cited by the submitters: PubMed 29891534.